The following is an entry in ClinVar:

ClinVar aggregate classification (germline): Uncertain significance. Review status: criteria provided, multiple submitters, no conflicts (2 of 4 stars). 3 submissions from 3 submitters: Uncertain significance (3). Last evaluated 2025-06-22.

Conditions:
Hereditary cancer-predisposing syndrome. Also called: Tumor predisposition; Hereditary Cancer Syndrome; Hereditary neoplastic syndrome; Neoplastic Syndromes, Hereditary. Identifiers: Orphanet 140162, MedGen C0027672, MeSH D009386, MONDO:0015356.

Allele frequency attached by ClinVar (database versions not stated): gnomAD exomes below 0.00001; TOPMed below 0.00001.
gnomAD v4.1: 2 of 1,614,186 alleles (0.00012%); highest among the groups gnomAD compares: Non-Finnish European, 0.000085%; no homozygotes.

Submissions (3):

Labcorp Genetics (formerly Invitae), Labcorp
Classification: Uncertain significance. Last evaluated: 2025-06-22. Review status: criteria provided, single submitter. Criteria: Invitae Variant Classification Sherloc (09022015). Collection method: clinical testing. Allele origin: germline.
Comment: This sequence change replaces asparagine, which is neutral and polar, with serine, which is neutral and polar, at codon 2098 of the POLE protein (p.Asn2098Ser). This variant is not present in population databases (gnomAD no frequency). This variant has not been reported in the literature in individuals affected with POLE-related conditions. ClinVar contains an entry for this variant (Variation ID: 2197244). Invitae Evidence Modeling of protein sequence and biophysical properties (such as structural, functional, and spatial information, amino acid conservation, physicochemical variation, residue mobility, and thermodynamic stability) indicates that this missense variant is not expected to disrupt POLE protein function with a negative predictive value of 80%. In summary, the available evidence is currently insufficient to determine the role of this variant in disease. Therefore, it has been classified as a Variant of Uncertain Significance.

Ambry Genetics
Classification: Uncertain significance for Hereditary cancer-predisposing syndrome. Last evaluated: 2025-05-17. Review status: criteria provided, single submitter. Criteria: Ambry Variant Classification Scheme 2023. Collection method: clinical testing. Allele origin: germline.
Comment: The p.N2098S variant (also known as c.6293A>G), located in coding exon 45 of the POLE gene, results from an A to G substitution at nucleotide position 6293. The asparagine at codon 2098 is replaced by serine, an amino acid with highly similar properties. This amino acid position is conserved. In addition, this alteration is predicted to be tolerated by in silico analysis. Based on the available evidence, the clinical significance of this variant remains unclear.

GeneDx
Classification: Uncertain significance. Last evaluated: 2025-01-27. Review status: criteria provided, single submitter. Criteria: GeneDx Variant Classification Process June 2021. Collection method: clinical testing. Allele origin: germline.
Comment: Not observed at significant frequency in large population cohorts (gnomAD); In silico analysis indicates that this missense variant does not alter protein structure/function; Has not been previously published as pathogenic or benign to our knowledge

NM_006231.4(POLE):c.6293A>G (p.Asn2098Ser)

Gene: POLE (DNA polymerase epsilon, catalytic subunit; minus strand). Cytogenetic location: 12q24.33.
Variant type: single nucleotide variant.
Coding change: c.6293A>G on transcript NM_006231.4 (MANE Select); coding-DNA position 6293, A replaced by G.
Protein change: p.Asn2098Ser; replaces asparagine 2098 with serine.
Molecular consequence: missense variant.
Genome position (GRCh38, 1-based): chr12:132,632,352, T>C on the plus strand (A>G on the coding strand, the complement: POLE is on the minus strand). VCF-style: chr12-132632352-T-C. GRCh37 (hg19) VCF-style: chr12-133208938-T-C.
Other names: c.6293A>G (NM_006231.2); short protein forms N2098S.
Identifiers: ClinVar variation 2197244 (VCV002197244.7), dbSNP rs2041949605, ClinGen allele CA387369345.